The following is an entry in ClinVar:

NM_000400.4(ERCC2):c.545C>T (p.Ala182Val)

Gene: ERCC2 (ERCC excision repair 2, TFIIH core complex helicase subunit; minus strand). Cytogenetic location: 19q13.32.
Variant type: single nucleotide variant.
Coding change: c.545C>T on transcript NM_000400.4 (MANE Select); coding-DNA position 545, C replaced by T.
Protein change: p.Ala182Val; replaces alanine 182 with valine.
Molecular consequence: missense variant.
Genome position (GRCh38, 1-based): chr19:45,364,887, G>A on the plus strand (C>T on the coding strand, the complement: ERCC2 is on the minus strand). VCF-style: chr19-45364887-G-A. GRCh37 (hg19) VCF-style: chr19-45868145-G-A.
Other names: c.473C>T, p.Ala158Val (NM_001130867.2); short protein forms A182V, A158V.
Identifiers: ClinVar variation 134114 (VCV000134114.20), dbSNP rs142936491, ClinGen allele CA158809.

ClinVar aggregate classification (germline): Conflicting classifications of pathogenicity. Review status: criteria provided, conflicting classifications (1 of 4 stars). 6 submissions from 6 submitters: Uncertain significance (1); Benign (1); Likely benign (2). 2 of the submissions do not count toward it. Last evaluated 2026-02-04.

Conditions:
Xeroderma pigmentosum (XP). Identifiers: Orphanet 910, MedGen C0043346, MONDO:0019600.
Xeroderma pigmentosum, group D (XPD). Also called: ERCC2-Related Xeroderma Pigmentosum; XP, GROUP H; XERODERMA PIGMENTOSUM IV; XP, GROUP D; XERODERMA PIGMENTOSUM, COMPLEMENTATION GROUP D. Identifiers: MedGen C0268138, MONDO:0010212, OMIM 278730.
Hepatoblastoma. Identifiers: Orphanet 449, MedGen C0206624, MONDO:0018666, HP:0002884.

Allele frequency attached by ClinVar (database versions not stated): ESP Exome Variant Server 0.00023; gnomAD 0.00029 and 0.00039; TOPMed 0.00030; 1000 Genomes Project 30x 0.00031; 1000 Genomes Project 0.00040; gnomAD exomes 0.00061 and 0.00062; ExAC 0.00062.
gnomAD v4.1: 973 of 1,614,142 alleles (0.06%); highest among the groups gnomAD compares: South Asian, 0.28%; 2 homozygotes.

Submissions (6):

Labcorp Genetics (formerly Invitae), Labcorp
Classification: Benign. Last evaluated: 2026-02-04. Review status: criteria provided, single submitter. Criteria: Invitae Variant Classification Sherloc (09022015). Collection method: clinical testing. Allele origin: germline.

Institute for Clinical Genetics, University Hospital TU Dresden, University Hospital TU Dresden
Classification: Likely benign. Last evaluated: 2021-11-03. Review status: criteria provided, single submitter. Criteria: ACMG Guidelines, 2015. Collection method: clinical testing. Allele origin: germline.

Sema4
Classification: Likely benign for Xeroderma pigmentosum. Last evaluated: 2021-04-20. Review status: criteria provided, single submitter. Criteria: Sema4 Curation Guidelines. Collection method: curation. Allele origin: germline.

Illumina Laboratory Services, Illumina
Classification: Uncertain significance for Xeroderma pigmentosum, group D. Last evaluated: 2018-01-13. Review status: criteria provided, single submitter. Criteria: ICSL Variant Classification Criteria 13 December 2019. Collection method: clinical testing. Allele origin: germline.

ITMI
No classification provided. Condition: AllHighlyPenetrant. Last evaluated: 2013-09-19. Review status: no classification provided. Collection method: reference population. Allele origin: germline. Not counted in ClinVar's aggregate classification.
Comment: Please see associated publication for description of ethnicities

Molecular Oncology -  Human Genetics Lab, University of Sao Paulo
Classification: Likely pathogenic for Hepatoblastoma. Review status: no assertion criteria provided. Collection method: research. Allele origin: germline. Affected: yes. Not counted in ClinVar's aggregate classification.

Literature cited by the submitters: PubMed 29178624 (cited by Sema4); PubMed 24728327 (cited by Sema4 and ITMI).